The following is an entry in ClinVar:

NM_003906.5(MCM3AP):c.5765C>T (p.Ser1922Phe)

Genes: MCM3AP (minichromosome maintenance complex component 3 associated protein; minus strand), MCM3AP-AS1 (MCM3AP antisense RNA 1; plus strand). Cytogenetic location: 21q22.3.
Variant type: single nucleotide variant.
Coding change: c.5765C>T on transcript NM_003906.5 (MANE Select); coding-DNA position 5765, C replaced by T.
Protein change: p.Ser1922Phe; replaces serine 1922 with phenylalanine.
Molecular consequence: missense variant.
Genome position (GRCh38, 1-based): chr21:46,236,848, G>A on the plus strand (C>T on the coding strand, the complement: MCM3AP is on the minus strand). VCF-style: chr21-46236848-G-A. GRCh37 (hg19) VCF-style: chr21-47656762-G-A.
Other names: short protein forms S1922F.
Identifiers: ClinVar variation 1347819 (VCV001347819.6), dbSNP rs2123795324, ClinGen allele CA410534568.

ClinVar aggregate classification (germline): Uncertain significance (1 of 4 stars; one submission).

Submission:

Labcorp Genetics (formerly Invitae), Labcorp
Classification: Uncertain significance. Last evaluated: 2021-08-20. Review status: criteria provided, single submitter. Criteria: Invitae Variant Classification Sherloc (09022015). Collection method: clinical testing. Allele origin: germline.
Comment: In summary, the available evidence is currently insufficient to determine the role of this variant in disease. Therefore, it has been classified as a Variant of Uncertain Significance. Algorithms developed to predict the effect of missense changes on protein structure and function (SIFT, PolyPhen-2, Align-GVGD) all suggest that this variant is likely to be tolerated. This variant has not been reported in the literature in individuals affected with MCM3AP-related conditions. This variant is not present in population databases (ExAC no frequency). This sequence change replaces serine with phenylalanine at codon 1922 of the MCM3AP protein (p.Ser1922Phe). The serine residue is weakly conserved and there is a large physicochemical difference between serine and phenylalanine.